The following is an entry in ClinVar:

NM_004959.5(NR5A1):c.876C>T (p.Ala292=)

Gene: NR5A1 (nuclear receptor subfamily 5 group A member 1; minus strand). Cytogenetic location: 9q33.3.
Variant type: single nucleotide variant.
Coding change: c.876C>T on transcript NM_004959.5 (MANE Select); coding-DNA position 876, C replaced by T.
Protein change: p.Ala292=; no amino-acid change (alanine 292 retained).
Molecular consequence: synonymous variant.
Genome position (GRCh38, 1-based): chr9:124,493,144, G>A on the plus strand (C>T on the coding strand, the complement: NR5A1 is on the minus strand). VCF-style: chr9-124493144-G-A. GRCh37 (hg19) VCF-style: chr9-127255423-G-A.
Identifiers: ClinVar variation 2659494 (VCV002659494.24), dbSNP rs550028067, ClinGen allele CA199722623.
Genomic context (GRCh38, chr9:124,493,144, plus strand): 5'-GTAGATGTGGTCGAACACCAGCAGCTCGCTCCAGCAGTTCTGCAGCAGCGTCATCTGGTC[G>A]GCCACCTGGAAGGAAGAGGCACGCGGGGGGCCGGGCTCCAGCCAGGGTCCAGGGACCTTC-3'
Protein context (NP_004950.2, residues 282-302): RCMVFKELEV[Ala292=]DQMTLLQNCW

ClinVar aggregate classification (germline): Likely benign (1 of 4 stars; one submission).

Allele frequency attached by ClinVar (database versions not stated): gnomAD 0.00001; TOPMed 0.00001; 1000 Genomes Project 30x 0.00016; 1000 Genomes Project 0.00020.
gnomAD v4.1: 14 of 1,610,916 alleles (0.00087%); highest among the groups gnomAD compares: Admixed American, 0.0017%; no homozygotes.

Submission:

CeGaT Center for Human Genetics Tuebingen
Classification: Likely benign. Last evaluated: 2022-08-01. Review status: criteria provided, single submitter. Criteria: CeGaT Center For Human Genetics Tuebingen Variant Classification Criteria Version 2. Collection method: clinical testing. Allele origin: germline. Affected: yes. Observed: 1 variant allele.
Comment: NR5A1: BP4, BP7